The following is an entry in ClinVar:

ClinVar aggregate classification (germline): Pathogenic, low penetrance (1 of 4 stars; one submission).

Conditions:
Atypical hemolytic-uremic syndrome. Identifiers: Orphanet 2134, MedGen C2931788, MONDO:0016244.

Submission:

Genomenon, Inc
Classification: Pathogenic, low penetrance for Atypical hemolytic-uremic syndrome. Last evaluated: 2025-09-26. Review status: criteria provided, single submitter. Criteria: Genomenon Sequence Variant Interpretation Standards - Updated. Collection method: curation. Allele origin: germline. Affected: yes.
Comment: DGKE p.Leu24CysfsTer145 (c.71del) is a frameshift variant that results in the production of a truncated protein that may be subject to nonsense-mediated mRNA decay. This variant has been observed in at least one proband affected with atypical hemolytic-uremic syndrome (PMID:26018111). It is absent or not present at a significant frequency in gnomAD. In conclusion, we classify DGKE p.Leu24CysfsTer145 (c.71del) as a pathogenic, low penetrance variant.

Literature cited by the submitters: PubMed 26018111.

NM_003647.3(DGKE):c.71del (p.Leu24fs)

Gene: DGKE (diacylglycerol kinase epsilon; plus strand). Cytogenetic location: 17q22.
Variant type: Deletion.
Coding change: c.71del on transcript NM_003647.3 (MANE Select); coding-DNA position 71, one base deleted (T; older notation c.71delT).
Protein change: p.Leu24fs; shifts the reading frame from leucine 24.
Molecular consequence: frameshift variant.
Genome position (GRCh38, 1-based): chr17:56,834,866, T deleted; the last of 2 consecutive T bases (chr17:56,834,865-56,834,866); deleting either gives the same sequence. VCF-style (leftmost placement, unchanged base first): chr17-56834864-CT-C. GRCh37 (hg19) VCF-style: chr17-54912225-CT-C.
Other names: short protein forms L24fs.
Identifiers: ClinVar variation 4280343 (VCV004280343.1).